The following is an entry in ClinVar:

NM_001130823.3(DNMT1):c.3117-203A>C

Gene: DNMT1 (DNA methyltransferase 1; minus strand). Cytogenetic location: 19p13.2.
Variant type: single nucleotide variant.
Coding change: c.3117-203A>C on transcript NM_001130823.3 (MANE Select); 203 bases into the intron before coding-DNA position 3117, A replaced by C.
Molecular consequence: intron variant.
Genome position (GRCh38, 1-based): chr19:10,142,423, T>G on the plus strand (A>C on the coding strand, the complement: DNMT1 is on the minus strand). VCF-style: chr19-10142423-T-G. GRCh37 (hg19) VCF-style: chr19-10253099-T-G.
Other names: c.2754-203A>C (NM_001318731.2); c.3069-203A>C (NM_001379.4, NM_001318730.2).
Identifiers: ClinVar variation 679322 (VCV000679322.2), dbSNP rs8112801, ClinGen allele CA14683214.

ClinVar aggregate classification (germline): Benign. Review status: criteria provided, multiple submitters, no conflicts (2 of 4 stars). 2 submissions from 2 submitters: Benign (2). Last evaluated 2018-06-14.

Allele frequency attached by ClinVar (database versions not stated): 1000 Genomes Project 0.47005; 1000 Genomes Project 30x 0.47377; TOPMed 0.49221.
gnomAD v4.1: 72,655 of 147,640 alleles (49%); highest among the groups gnomAD compares: Admixed American, 51%; 17,815 homozygotes.

Submissions (2):

GeneDx
Classification: Benign. Last evaluated: 2018-06-14. Review status: criteria provided, single submitter. Criteria: GeneDx Variant Classification (06012015). Collection method: clinical testing. Allele origin: germline. Affected: yes.
Comment: This variant is considered likely benign or benign based on one or more of the following criteria: it is a conservative change, it occurs at a poorly conserved position in the protein, it is predicted to be benign by multiple in silico algorithms, and/or has population frequency not consistent with disease.

Breakthrough Genomics
Classification: Benign. Review status: criteria provided, single submitter. Criteria: ACMG Guidelines, 2015. Collection method: not provided. Allele origin: germline. Inheritance: Autosomal dominant inheritance. Affected: yes.